The following is an entry in ClinVar:

ClinVar aggregate classification (germline): Benign/Likely benign. Review status: criteria provided, multiple submitters, no conflicts (2 of 4 stars). 6 submissions from 6 submitters: Benign (2); Likely benign (3). 1 of the submissions does not count toward it. Last evaluated 2026-09-01.

Conditions:
LAMA1-related disorder. Also called: LAMA1-related disorders; LAMA1-related condition.

Allele frequency attached by ClinVar (database versions not stated): 1000 Genomes Project 30x 0.00016; gnomAD 0.00016; 1000 Genomes Project 0.00020; TOPMed 0.00045; ESP Exome Variant Server 0.00069.
gnomAD v4.1: 956 of 1,611,008 alleles (0.059%); highest among the groups gnomAD compares: Middle Eastern, 0.41%; 1 homozygote.

Submissions (6):

CeGaT Center for Human Genetics Tuebingen
Classification: Likely benign. Last evaluated: 2026-09-01. Review status: criteria provided, single submitter. Criteria: CeGaT Center For Human Genetics Tuebingen Variant Classification Criteria Version 2. Collection method: clinical testing. Allele origin: germline. Affected: yes. Observed: 5 variant alleles.
Comment: LAMA1: BP4, BP7

Labcorp Genetics (formerly Invitae), Labcorp
Classification: Benign. Last evaluated: 2026-01-07. Review status: criteria provided, single submitter. Criteria: Invitae Variant Classification Sherloc (09022015). Collection method: clinical testing. Allele origin: germline.

Mayo Clinic Laboratories, Mayo Clinic
Classification: Likely benign. Last evaluated: 2025-03-26. Review status: criteria provided, single submitter. Criteria: ACMG Guidelines, 2015. Collection method: clinical testing. Allele origin: germline. Observed: 1 variant allele.
Comment: BS1, BP4, BP7

Blueprint Genetics
Classification: Likely benign. Last evaluated: 2024-11-27. Review status: criteria provided, single submitter. Criteria: ACMG Guidelines, 2015. Collection method: clinical testing. Allele origin: germline.

Breakthrough Genomics
Classification: Benign. Review status: criteria provided, single submitter. Criteria: ACMG Guidelines, 2015. Collection method: not provided. Allele origin: germline. Inheritance: Autosomal recessive inheritance. Affected: yes.

PreventionGenetics, part of Exact Sciences
Classification: Likely benign for LAMA1-related condition. Last evaluated: 2019-07-02. Review status: no assertion criteria provided. Collection method: clinical testing. Allele origin: germline. Not counted in ClinVar's aggregate classification.
Comment: This variant is classified as likely benign based on ACMG/AMP sequence variant interpretation guidelines (Richards et al. 2015 PMID: 25741868, with internal and published modifications).

NM_005559.4(LAMA1):c.2136G>T (p.Pro712=)

Gene: LAMA1 (laminin subunit alpha 1; minus strand). Cytogenetic location: 18p11.31.
Variant type: single nucleotide variant.
Coding change: c.2136G>T on transcript NM_005559.4 (MANE Select); coding-DNA position 2136, G replaced by T.
Protein change: p.Pro712=; no amino-acid change (proline 712 retained).
Molecular consequence: synonymous variant.
Genome position (GRCh38, 1-based): chr18:7,033,011, C>A on the plus strand (G>T on the coding strand, the complement: LAMA1 is on the minus strand). VCF-style: chr18-7033011-C-A. GRCh37 (hg19) VCF-style: chr18-7033010-C-A.
Other names: p.Pro712=.
Identifiers: ClinVar variation 750197 (VCV000750197.37), dbSNP rs139988519, ClinGen allele CA8882757.
Genomic context (GRCh38, chr18:7,033,011, plus strand): 5'-GAAAGGAAAAAGACAGGAAGAGAGAAGCGTCACCTCACAGGAGGTCCCTGTGTAGCCTTG[C>A]GGACATTCACAGTGCTCCACATCAGCGGCCACCACCAGGTCGATGGCATTAGAGCTGGCT-3'
Protein context (NP_005550.2, residues 702-722): VAADVEHCEC[Pro712=]QGYTGTSCES